The following is an entry in ClinVar:

ClinVar aggregate classification (germline): Conflicting classifications of pathogenicity. Review status: criteria provided, conflicting classifications (1 of 4 stars). 3 submissions from 3 submitters: Uncertain significance (2); Likely benign (1). Last evaluated 2025-07-30.

Allele frequency attached by ClinVar (database versions not stated): gnomAD exomes 0.00001.
gnomAD v4.1: 46 of 1,574,618 alleles (0.0029%); highest among the groups gnomAD compares: African/African-American, 0.055%; no homozygotes.

Submissions (3):

Labcorp Genetics (formerly Invitae), Labcorp
Classification: Likely benign. Last evaluated: 2025-07-30. Review status: criteria provided, single submitter. Criteria: Invitae Variant Classification Sherloc (09022015). Collection method: clinical testing. Allele origin: germline.

Mayo Clinic Laboratories, Mayo Clinic
Classification: Uncertain significance. Last evaluated: 2025-02-14. Review status: criteria provided, single submitter. Criteria: ACMG Guidelines, 2015. Collection method: clinical testing. Allele origin: germline. Observed: 1 variant allele.
Comment: PM2_supporting

Women's Health and Genetics/Laboratory Corporation of America, LabCorp
Classification: Uncertain significance. Last evaluated: 2023-08-06. Review status: criteria provided, single submitter. Criteria: LabCorp Variant Classification Summary - May 2015. Collection method: clinical testing. Allele origin: germline.

NM_022437.3(ABCG8):c.1488+14G>T

Gene: ABCG8 (ATP binding cassette subfamily G member 8; plus strand). Cytogenetic location: 2p21.
Variant type: single nucleotide variant.
Coding change: c.1488+14G>T on transcript NM_022437.3 (MANE Select); 14 bases into the intron after coding-DNA position 1488, G replaced by T.
Molecular consequence: intron variant.
Genome position (GRCh38, 1-based): chr2:43,874,497, G>T. VCF-style: chr2-43874497-G-T. GRCh37 (hg19) VCF-style: chr2-44101636-G-T.
Other names: p.?; c.1485+14G>T (NM_001357321.2).
Identifiers: ClinVar variation 2581511 (VCV002581511.4), dbSNP rs752255874, ClinGen allele CA1637475.
Genomic context (GRCh38, chr2:43,874,497, plus strand): 5'-AACTGGAAGACGGGCTGTACACCACTGGTCCATATTTCTTTGCCAAGGTGACTGGGCAGG[G>T]TTGAGAGCAAGTGCCCCCCACCCACCAGGGTGGGGGTAAGTGTGGAGAAAACGTTGCTAC-3'